The following is an entry in ClinVar:

NM_000341.4(SLC3A1):c.1052C>T (p.Thr351Ile)

Gene: SLC3A1 (solute carrier family 3 member 1; plus strand). Cytogenetic location: 2p21.
Variant type: single nucleotide variant.
Coding change: c.1052C>T on transcript NM_000341.4 (MANE Select); coding-DNA position 1052, C replaced by T.
Protein change: p.Thr351Ile; replaces threonine 351 with isoleucine.
Molecular consequence: missense variant.
Genome position (GRCh38, 1-based): chr2:44,301,043, C>T. VCF-style: chr2-44301043-C-T. GRCh37 (hg19) VCF-style: chr2-44528182-C-T.
Other names: short protein forms T351I.
Identifiers: ClinVar variation 2631746 (VCV002631746.3), dbSNP rs2465939218, ClinGen allele CA346681310.

ClinVar aggregate classification (germline): Uncertain significance. Review status: criteria provided, single submitter (1 of 4 stars). 2 submissions from 2 submitters: Uncertain significance (1). 1 of the submissions does not count toward it. Last evaluated 2024-06-01.

Conditions:
SLC3A1-related disorder. Also called: SLC3A1-related condition.
Cystinuria (CSNU). Also called: Cystinuria, non-type I; CYSTINURIA, TYPE I; CYSTINURIA, TYPE II; CYSTINURIA, TYPE III. Identifiers: Orphanet 214, MedGen C0010691, MONDO:0009067, OMIM 220100, HP:0003131.

Submissions (2):

Fulgent Genetics
Classification: Uncertain significance for Cystinuria. Last evaluated: 2024-06-01. Review status: criteria provided, single submitter. Criteria: ACMG Guidelines, 2015. Collection method: clinical testing. Allele origin: germline.

PreventionGenetics, part of Exact Sciences
Classification: Uncertain significance for SLC3A1-related condition. Last evaluated: 2024-06-27. Review status: no assertion criteria provided. Collection method: clinical testing. Allele origin: germline. Not counted in ClinVar's aggregate classification.
Comment: The SLC3A1 c.1052C>T variant is predicted to result in the amino acid substitution p.Thr351Ile. This variant has been reported in individuals with cystinuria phenotypes (Table 1, Chatzikyriakidou et al. 2005. PubMed ID: 16225397); however the functional effect of this change is unclear (Table S8, Martell et al. 2017. PubMed ID: 28812535) and segregation data was not provided. This variant has not been reported in a large population database, indicating this variant is rare. At this time, we interpret its clinical significance as uncertain due to the absence of conclusive functional and genetic evidence.